The following is an entry in ClinVar:

ClinVar aggregate classification (germline): Uncertain significance. Review status: criteria provided, single submitter (1 of 4 stars). 2 submissions from 2 submitters: Uncertain significance (1). 1 of the submissions does not count toward it. Last evaluated 2024-05-23.

Conditions:
Progressive microcephaly-seizures-cortical blindness-developmental delay syndrome. Also called: Seizures, cortical blindness, and microcephaly syndrome. Identifiers: Orphanet 477814, MedGen C5567650, MONDO:0014714, OMIM 616632.
Autosomal dominant nonsyndromic hearing loss 1. Also called: KONIGSMARK SYNDROME; DEAFNESS, AUTOSOMAL DOMINANT 1, WITH OR WITHOUT THROMBOCYTOPENIA. Identifiers: Orphanet 90635, MedGen C1852282, MONDO:0007424, OMIM 124900.
DIAPH1-related disorder. Also called: DIAPH1-related condition.

Allele frequency attached by ClinVar (database versions not stated): gnomAD 0.00001; TOPMed 0.00001; gnomAD exomes 0.00002.
gnomAD v4.1: 27 of 1,614,108 alleles (0.0017%); highest among the groups gnomAD compares: Non-Finnish European, 0.0023%; no homozygotes.

Submissions (2):

Labcorp Genetics (formerly Invitae), Labcorp
Classification: Uncertain significance for Progressive microcephaly-seizures-cortical blindness-developmental delay syndrome; Autosomal dominant nonsyndromic hearing loss 1. Last evaluated: 2024-05-23. Review status: criteria provided, single submitter. Criteria: Invitae Variant Classification Sherloc (09022015). Collection method: clinical testing. Allele origin: germline.
Comment: This sequence change replaces arginine, which is basic and polar, with glycine, which is neutral and non-polar, at codon 246 of the DIAPH1 protein (p.Arg246Gly). This variant is not present in population databases (gnomAD no frequency). This variant has not been reported in the literature in individuals affected with DIAPH1-related conditions. Experimental studies and prediction algorithms are not available or were not evaluated, and the functional significance of this variant is currently unknown. In summary, the available evidence is currently insufficient to determine the role of this variant in disease. Therefore, it has been classified as a Variant of Uncertain Significance.

PreventionGenetics, part of Exact Sciences
Classification: Uncertain significance for DIAPH1-related condition. Last evaluated: 2023-10-18. Review status: no assertion criteria provided. Collection method: clinical testing. Allele origin: germline. Not counted in ClinVar's aggregate classification.
Comment: The DIAPH1 c.736A>G variant is predicted to result in the amino acid substitution p.Arg246Gly. To our knowledge, this variant has not been reported in the literature or in a large population database, indicating this variant is rare. At this time, the clinical significance of this variant is uncertain due to the absence of conclusive functional and genetic evidence.

NM_005219.5(DIAPH1):c.736A>G (p.Arg246Gly)

Gene: DIAPH1 (diaphanous related formin 1; minus strand). Cytogenetic location: 5q31.3.
Variant type: single nucleotide variant.
Coding change: c.736A>G on transcript NM_005219.5 (MANE Select); coding-DNA position 736, A replaced by G.
Protein change: p.Arg246Gly; replaces arginine 246 with glycine.
Molecular consequence: missense variant.
Genome position (GRCh38, 1-based): chr5:141,580,832, T>C on the plus strand (A>G on the coding strand, the complement: DIAPH1 is on the minus strand). VCF-style: chr5-141580832-T-C. GRCh37 (hg19) VCF-style: chr5-140960399-T-C.
Other names: c.736A>G (NM_005219.4); c.709A>G, p.Arg237Gly (NM_001079812.3); c.736A>G, p.Arg246Gly (NM_001314007.2); short protein forms R237G, R246G.
Identifiers: ClinVar variation 2940205 (VCV002940205.5), dbSNP rs1372320797, ClinGen allele CA361537041.